The following is an entry in ClinVar:

NC_000020.10:g.(?_62044783)_(62103816_?)dup

Gene: KCNQ2 (potassium voltage-gated channel subfamily Q member 2; minus strand). Cytogenetic location: 20q13.33.
Variant type: Duplication.
Identifiers: ClinVar variation 2427476 (VCV002427476.4).

ClinVar aggregate classification (germline): Uncertain significance (1 of 4 stars; one submission).

Conditions:
Developmental and epileptic encephalopathy. Identifiers: MedGen C5779964, MONDO:0100620.

Submission:

Labcorp Genetics (formerly Invitae), Labcorp
Classification: Uncertain significance for Early-infantile DEE. Last evaluated: 2023-08-11. Review status: criteria provided, single submitter. Criteria: Invitae Variant Classification Sherloc (09022015). Collection method: clinical testing. Allele origin: germline.
Comment: This variant results in a copy number gain of the genomic region encompassing exon(s) 1-15 of the KCNQ2 gene. This region includes the initiator codon of the gene. This copy number gain extends beyond the assayed region for this gene and therefore may encompass additional genes. As the precise location of this event is unknown, it may be in tandem or it may be located elsewhere in the genome. This variant has not been reported in the literature in individuals affected with KCNQ2-related conditions. In summary, the available evidence is currently insufficient to determine the role of this variant in disease. Therefore, it has been classified as a Variant of Uncertain Significance.